The following is an entry in ClinVar:

ClinVar aggregate classification (germline): Benign/Likely benign. Review status: criteria provided, multiple submitters, no conflicts (2 of 4 stars). 4 submissions from 4 submitters: Benign (1); Likely benign (3). Last evaluated 2026-02-02.

Allele frequency attached by ClinVar (database versions not stated): gnomAD exomes 0.00060 and 0.00155; ExAC 0.00190; ESP Exome Variant Server 0.00541; gnomAD 0.00582 and 0.00632; TOPMed 0.00713; 1000 Genomes Project 0.00759; 1000 Genomes Project 30x 0.00796.
gnomAD v4.1: 1,806 of 1,613,746 alleles (0.11%); highest among the groups gnomAD compares: African/African-American, 2.1%; 18 homozygotes.

Submissions (4):

Labcorp Genetics (formerly Invitae), Labcorp
Classification: Benign. Last evaluated: 2026-02-02. Review status: criteria provided, single submitter. Criteria: Invitae Variant Classification Sherloc (09022015). Collection method: clinical testing. Allele origin: germline.

Mayo Clinic Laboratories, Mayo Clinic
Classification: Likely benign. Last evaluated: 2025-06-04. Review status: criteria provided, single submitter. Criteria: ACMG Guidelines, 2015. Collection method: clinical testing. Allele origin: germline. Observed: 2 variant alleles.
Comment: BS1, BP4, BP7

GeneDx
Classification: Likely benign. Last evaluated: 2020-03-11. Review status: criteria provided, single submitter. Criteria: GeneDx Variant Classification Process June 2021. Collection method: clinical testing. Allele origin: germline. Affected: yes.

Breakthrough Genomics
Classification: Likely benign. Review status: criteria provided, single submitter. Criteria: ACMG Guidelines, 2015. Collection method: not provided. Allele origin: germline. Inheritance: Unknown mechanism. Affected: yes.

NM_005245.4(FAT1):c.741C>T (p.Ile247=)

Gene: FAT1 (FAT atypical cadherin 1; minus strand). Cytogenetic location: 4q35.2.
Variant type: single nucleotide variant.
Coding change: c.741C>T on transcript NM_005245.4 (MANE Select); coding-DNA position 741, C replaced by T.
Protein change: p.Ile247=; no amino-acid change (isoleucine 247 retained).
Molecular consequence: synonymous variant.
Genome position (GRCh38, 1-based): chr4:186,709,087, G>A on the plus strand (C>T on the coding strand, the complement: FAT1 is on the minus strand). VCF-style: chr4-186709087-G-A. GRCh37 (hg19) VCF-style: chr4-187630241-G-A.
Other names: p.Ile247=.
Identifiers: ClinVar variation 712570 (VCV000712570.14), dbSNP rs35939569, ClinGen allele CA3167612.